The following is an entry in ClinVar:

ClinVar aggregate classification (germline): Uncertain significance (1 of 4 stars; one submission).

Allele frequency attached by ClinVar (database versions not stated): ESP Exome Variant Server 0.00031; ExAC 0.00005; gnomAD 0.00010; TOPMed 0.00010; gnomAD exomes 0.00014.
gnomAD v4.1: 208 of 1,541,142 alleles (0.013%); highest among the groups gnomAD compares: Non-Finnish European, 0.018%; no homozygotes.

Submission:

Ambry Genetics
Classification: Uncertain significance. Last evaluated: 2026-05-14. Review status: criteria provided, single submitter. Criteria: Ambry Variant Classification Scheme 2023. Collection method: clinical testing. Allele origin: germline.
Comment: The c.2518T>C (p.S840P) alteration is located in exon 14 (coding exon 14) of the PDZD2 gene. This alteration results from a T to C substitution at nucleotide position 2518, causing the serine (S) at amino acid position 840 to be replaced by a proline (P). Based on data from gnomAD, the C allele has an overall frequency of 0.006% (18/282710) total alleles studied. The highest observed frequency was 0.014% (1/7222) of Other alleles. Based on insufficient or conflicting evidence, the clinical significance of this alteration remains unclear.

NM_178140.4(PDZD2):c.2518T>C (p.Ser840Pro)

Gene: PDZD2 (PDZ domain containing 2; plus strand). Cytogenetic location: 5p13.3.
Variant type: single nucleotide variant.
Coding change: c.2518T>C on transcript NM_178140.4 (MANE Select); coding-DNA position 2518, T replaced by C.
Protein change: p.Ser840Pro; replaces serine 840 with proline.
Molecular consequence: missense variant.
Genome position (GRCh38, 1-based): chr5:32,069,635, T>C. VCF-style: chr5-32069635-T-C. GRCh37 (hg19) VCF-style: chr5-32069741-T-C.
Other names: short protein forms S840P.
Identifiers: ClinVar variation 2519472 (VCV002519472.3), dbSNP rs137951229, ClinGen allele CA3219217.